The following is an entry in ClinVar:

ClinVar aggregate classification (germline): Uncertain significance (1 of 4 stars; one submission).

Conditions:
Cerebral palsy. Identifiers: MedGen C0007789, MONDO:0006497, HP:0100021.

Submission:

Neurogenetics Research Program, University of Adelaide
Classification: Uncertain significance for Cerebral palsy. Last evaluated: 2021-06-10. Review status: criteria provided, single submitter. Criteria: ACMG Guidelines, 2015. Collection method: research. Allele origin: paternal, maternal. Affected: yes. Observed: 2 compound heterozygotes. Clinical features observed: Ataxia (HP:0001251), Dystonic disorder (HP:0001332), Spastic diplegia (HP:0001264).
Comment: Atypical presentation for Krabbe disease. Both variants previously reported (PMID: 10234611, PMID: 31053700, PMID: 26915362, PMID: 27126738, PMID: 16607461), with T112A associated with atypical progression.

NM_000153.4:c.[1592G>A];[334A>G]

Variant type: CompoundHeterozygote.
Identifiers: ClinVar variation 1172830 (VCV001172830.2).